The following is an entry in ClinVar:

ClinVar aggregate classification (germline): Uncertain significance (1 of 4 stars; one submission).

Conditions:
Parkinsonism-dystonia, infantile. Identifiers: Orphanet 238455, MedGen C2751067, MONDO:0013150.

Allele frequency attached by ClinVar (database versions not stated): gnomAD exomes below 0.00001 and 0.00002; ExAC 0.00003; TOPMed 0.00004; gnomAD 0.00005; 1000 Genomes Project 0.00020; 1000 Genomes Project 30x 0.00031.
gnomAD v4.1: 13 of 1,613,530 alleles (0.00081%); highest among the groups gnomAD compares: African/African-American, 0.017%; no homozygotes.

Submission:

Labcorp Genetics (formerly Invitae), Labcorp
Classification: Uncertain significance for Parkinsonism-dystonia, infantile. Last evaluated: 2023-04-24. Review status: criteria provided, single submitter. Criteria: Invitae Variant Classification Sherloc (09022015). Collection method: clinical testing. Allele origin: germline.
Comment: ClinVar contains an entry for this variant (Variation ID: 1432669). Advanced modeling of protein sequence and biophysical properties (such as structural, functional, and spatial information, amino acid conservation, physicochemical variation, residue mobility, and thermodynamic stability) performed at Invitae indicates that this missense variant is not expected to disrupt SLC6A3 protein function. In summary, the available evidence is currently insufficient to determine the role of this variant in disease. Therefore, it has been classified as a Variant of Uncertain Significance. This sequence change replaces serine, which is neutral and polar, with glycine, which is neutral and non-polar, at codon 299 of the SLC6A3 protein (p.Ser299Gly). This variant is present in population databases (rs571552841, gnomAD 0.03%). This variant has not been reported in the literature in individuals affected with SLC6A3-related conditions.

NM_001044.5(SLC6A3):c.895A>G (p.Ser299Gly)

Gene: SLC6A3 (solute carrier family 6 member 3). Cytogenetic location: 5p15.33.
Variant type: single nucleotide variant.
Coding change: c.895A>G on transcript NM_001044.5 (MANE Select); coding-DNA position 895, A replaced by G.
Protein change: p.Ser299Gly; replaces serine 299 with glycine.
Molecular consequence: missense variant.
Genome position (GRCh38, 1-based): chr5:1,420,601, T>C on the plus strand (A>G on the coding strand, the complement: SLC6A3 is on the minus strand). VCF-style: chr5-1420601-T-C. GRCh37 (hg19) VCF-style: chr5-1420716-T-C.
Other names: short protein forms S299G.
Identifiers: ClinVar variation 1432669 (VCV001432669.6), dbSNP rs571552841, ClinGen allele CA3186243.